The following is an entry in ClinVar:

ClinVar aggregate classification (germline): Likely benign (1 of 4 stars; one submission).

Allele frequency attached by ClinVar (database versions not stated): 1000 Genomes Project 30x 0.00297; 1000 Genomes Project 0.00339; gnomAD 0.00413; ExAC 0.00416; TOPMed 0.00419; ESP Exome Variant Server 0.00580; gnomAD exomes 0.00618.
gnomAD v4.1: 9,710 of 1,613,980 alleles (0.6%); highest among the groups gnomAD compares: Non-Finnish European, 0.71%; 37 homozygotes.

Submission:

CeGaT Center for Human Genetics Tuebingen
Classification: Likely benign. Last evaluated: 2026-08-01. Review status: criteria provided, single submitter. Criteria: CeGaT Center For Human Genetics Tuebingen Variant Classification Criteria Version 2. Collection method: clinical testing. Allele origin: germline. Affected: yes. Observed: 12 variant alleles.
Comment: MACF1: BS2

NM_001394062.1(MACF1):c.15817-8027A>C

Genes: KIAA0754 (KIAA0754; plus strand), MACF1 (microtubule actin crosslinking factor 1; plus strand). Cytogenetic location: 1p34.3.
Variant type: single nucleotide variant.
Coding change: c.15817-8027A>C on transcript NM_001394062.1 (MANE Select); 8027 bases into the intron before coding-DNA position 15817, A replaced by C.
Molecular consequence: intron variant. On other transcripts: missense variant (1).
Genome position (GRCh38, 1-based): chr1:39,414,347, A>C. VCF-style: chr1-39414347-A-C. GRCh37 (hg19) VCF-style: chr1-39880019-A-C.
Other names: c.4082A>C, p.Glu1361Ala (NM_001397473.1); c.9631-8027A>C (NM_012090.5); short protein forms E1361A.
Identifiers: ClinVar variation 2638709 (VCV002638709.24), dbSNP rs78342613, ClinGen allele CA783151.